The following is an entry in ClinVar:

NM_015375.3(DSTYK):c.1884T>A (p.Asp628Glu)

Gene: DSTYK (dual serine/threonine and tyrosine protein kinase; minus strand). Cytogenetic location: 1q32.1.
Variant type: single nucleotide variant.
Coding change: c.1884T>A on transcript NM_015375.3 (MANE Select); coding-DNA position 1884, T replaced by A.
Protein change: p.Asp628Glu; replaces aspartic acid 628 with glutamic acid.
Molecular consequence: missense variant.
Genome position (GRCh38, 1-based): chr1:205,161,322, A>T on the plus strand (T>A on the coding strand, the complement: DSTYK is on the minus strand). VCF-style: chr1-205161322-A-T. GRCh37 (hg19) VCF-style: chr1-205130450-A-T.
Other names: c.1884T>A, p.Asp628Glu (NM_199462.3); c.1884T>A (NM_015375.2); short protein forms D628E.
Identifiers: ClinVar variation 4739909 (VCV004739909.2).
Genomic context (GRCh38, chr1:205,161,322, plus strand): 5'-AAGCAAGACATCCTGTAAAGAACAGCTTTCCAGAGAAAGGCGGGCCAGGCGGGGAGCATG[A>T]TCTTTCCGAACCCTCAGCCATAGATCTTCCGTTTTCTCTAACCGGCCTGAGTGGCCAGCT-3'
Protein context (NP_056190.1, residues 618-638): TEDLWLRVRK[Asp628Glu]HAPRLARLSL

ClinVar aggregate classification (germline): Likely benign. Review status: criteria provided, multiple submitters, no conflicts (2 of 4 stars). 2 submissions from 2 submitters: Likely benign (2). Last evaluated 2026-09-08.

Conditions:
DSTYK-related disorder. Also called: DSTYK-related condition.

gnomAD v4.1: 343 of 1,614,172 alleles (0.021%); highest among the groups gnomAD compares: South Asian, 0.36%; 5 homozygotes.

Submissions (2):

PreventionGenetics, part of Exact Sciences
Classification: Likely benign for DSTYK-related condition. Last evaluated: 2026-09-08. Review status: criteria provided, single submitter. Criteria: ACMG Guidelines, 2015. Collection method: clinical testing. Allele origin: germline.
Comment: This variant is classified as likely benign based on ACMG/AMP sequence variant interpretation guidelines (Richards et al. 2015 PMID: 25741868, with internal and published modifications).

Labcorp Genetics (formerly Invitae), Labcorp
Classification: Likely benign. Last evaluated: 2026-01-08. Review status: criteria provided, single submitter. Criteria: Invitae Variant Classification Sherloc (09022015). Collection method: clinical testing. Allele origin: germline.